The following is an entry in ClinVar:

NM_004393.6(DAG1):c.838C>A (p.Pro280Thr)

Gene: DAG1 (dystroglycan 1; plus strand). Cytogenetic location: 3p21.31.
Variant type: single nucleotide variant.
Coding change: c.838C>A on transcript NM_004393.6 (MANE Select); coding-DNA position 838, C replaced by A.
Protein change: p.Pro280Thr; replaces proline 280 with threonine.
Molecular consequence: missense variant.
Genome position (GRCh38, 1-based): chr3:49,531,349, C>A. VCF-style: chr3-49531349-C-A. GRCh37 (hg19) VCF-style: chr3-49568782-C-A.
Other names: c.838C>A, p.Pro280Thr (NM_001165928.4, NM_001177634.3, NM_001177635.3 and 9 more transcripts); short protein forms P280T.
Identifiers: ClinVar variation 1393439 (VCV001393439.6), dbSNP rs908394465, ClinGen allele CA352794193.

ClinVar aggregate classification (germline): Uncertain significance (1 of 4 stars; one submission).

Conditions:
Autosomal recessive limb-girdle muscular dystrophy type 2P. Also called: Limb-Girdle Muscular Dystrophy Type 9C; MUSCULAR DYSTROPHY, LIMB-GIRDLE, TYPE 2P; MUSCULAR DYSTROPHY-DYSTROGLYCANOPATHY, LIMB-GIRDLE, DAG1-RELATED. Identifiers: Orphanet 280333, MedGen C4511963, MONDO:0013440, OMIM 613818.
Muscular dystrophy-dystroglycanopathy (congenital with brain and eye anomalies), type A9. Also called: Muscular dystrophy-dystroglycanopathy (congenital with brain and eye anomalies), type a, 9; WALKER-WARBURG SYNDROME OR MUSCLE-EYE BRAIN DISEASE, DAG1-RELATED. Identifiers: Orphanet 370997, Orphanet 899, MedGen C4225291, MONDO:0014683, OMIM 616538.

Submission:

Labcorp Genetics (formerly Invitae), Labcorp
Classification: Uncertain significance for Autosomal recessive limb-girdle muscular dystrophy type 2P; Muscular dystrophy-dystroglycanopathy (congenital with brain and eye anomalies), type A9. Last evaluated: 2024-10-29. Review status: criteria provided, single submitter. Criteria: Invitae Variant Classification Sherloc (09022015). Collection method: clinical testing. Allele origin: germline.
Comment: This sequence change replaces proline, which is neutral and non-polar, with threonine, which is neutral and polar, at codon 280 of the DAG1 protein (p.Pro280Thr). This variant is not present in population databases (gnomAD no frequency). This variant has not been reported in the literature in individuals affected with DAG1-related conditions. ClinVar contains an entry for this variant (Variation ID: 1393439). Invitae Evidence Modeling of protein sequence and biophysical properties (such as structural, functional, and spatial information, amino acid conservation, physicochemical variation, residue mobility, and thermodynamic stability) indicates that this missense variant is not expected to disrupt DAG1 protein function with a negative predictive value of 80%. In summary, the available evidence is currently insufficient to determine the role of this variant in disease. Therefore, it has been classified as a Variant of Uncertain Significance.